The following is an entry in ClinVar:

NM_000038.6(APC):c.2467T>C (p.Ser823Pro)

Gene: APC (APC regulator of Wnt signaling pathway; plus strand). Cytogenetic location: 5q22.2.
Variant type: single nucleotide variant.
Coding change: c.2467T>C on transcript NM_000038.6 (MANE Select); coding-DNA position 2467, T replaced by C.
Protein change: p.Ser823Pro; replaces serine 823 with proline.
Molecular consequence: missense variant.
Genome position (GRCh38, 1-based): chr5:112,838,061, T>C. VCF-style: chr5-112838061-T-C. GRCh37 (hg19) VCF-style: chr5-112173758-T-C.
Other names: c.2467T>C, p.Ser823Pro (NM_001127510.3, NM_001354895.2); c.2413T>C, p.Ser805Pro (NM_001127511.3); c.2521T>C, p.Ser841Pro (NM_001354896.2); c.2497T>C, p.Ser833Pro (NM_001354897.2); c.2392T>C, p.Ser798Pro (NM_001354898.2); c.2383T>C, p.Ser795Pro (NM_001354899.2); c.2344T>C, p.Ser782Pro (NM_001354900.2); c.2290T>C, p.Ser764Pro (NM_001354901.2); and 5 more; short protein forms S540P, S663P, S732P, S764P, S795P, S823P, S697P, S798P.
Identifiers: ClinVar variation 959581 (VCV000959581.15), dbSNP rs1765188960, ClinGen allele CA16026748.
Genomic context (GRCh38, chr5:112,838,061, plus strand): 5'-ACCAATCGACATGATGATAATAGGTCAGACAATTTTAATACTGGCAACATGACTGTCCTT[T>C]CACCATATTTGAATACTACAGTGTTACCCAGCTCCTCTTCATCAAGAGGAAGCTTAGATA-3'
Protein context (NP_000029.2, residues 813-833): NFNTGNMTVL[Ser823Pro]PYLNTTVLPS

ClinVar aggregate classification (germline): Uncertain significance. Review status: criteria provided, multiple submitters, no conflicts (2 of 4 stars). 3 submissions from 3 submitters: Uncertain significance (3). Last evaluated 2025-02-13.

Conditions:
Hereditary cancer-predisposing syndrome. Also called: Tumor predisposition; Hereditary neoplastic syndrome; Neoplastic Syndromes, Hereditary; Hereditary Cancer Syndrome. Identifiers: Orphanet 140162, MedGen C0027672, MeSH D009386, MONDO:0015356.
Familial adenomatous polyposis 1 (FAP1). Also called: POLYPOSIS, ADENOMATOUS INTESTINAL; FAMILIAL ADENOMATOUS POLYPOSIS 1, ATTENUATED. Identifiers: MedGen C2713442, MONDO:0021056, OMIM 175100. Disease mechanism: loss of function.

Allele frequency attached by ClinVar (database versions not stated): gnomAD exomes 0.00001.
gnomAD v4.1: 12 of 1,614,190 alleles (0.00074%); highest among the groups gnomAD compares: Non-Finnish European, 0.001%; no homozygotes.

Submissions (3):

Ambry Genetics
Classification: Uncertain significance for Hereditary cancer-predisposing syndrome. Last evaluated: 2025-02-13. Review status: criteria provided, single submitter. Criteria: Ambry Variant Classification Scheme 2023. Collection method: clinical testing. Allele origin: germline.
Comment: The p.S823P variant (also known as c.2467T>C), located in coding exon 15 of the APC gene, results from a T to C substitution at nucleotide position 2467. The serine at codon 823 is replaced by proline, an amino acid with similar properties. This amino acid position is well conserved in available vertebrate species. In addition, in silico predictors for this gene do not accurately predict pathogenicity. Missense alterations in APC are not a common cause of disease (Spier I et al. Genet Med. 2024 Feb;26(2):100992). Based on the available evidence, the clinical significance of this variant remains unclear.

GeneDx
Classification: Uncertain significance. Last evaluated: 2023-07-06. Review status: criteria provided, single submitter. Criteria: GeneDx Variant Classification Process June 2021. Collection method: clinical testing. Allele origin: germline. Affected: yes.
Comment: Not observed at significant frequency in large population cohorts (gnomAD); In silico analysis supports that this missense variant does not alter protein structure/function; Has not been previously published as pathogenic or benign to our knowledge

Labcorp Genetics (formerly Invitae), Labcorp
Classification: Uncertain significance for Familial adenomatous polyposis 1. Last evaluated: 2022-02-22. Review status: criteria provided, single submitter. Criteria: Invitae Variant Classification Sherloc (09022015). Collection method: clinical testing. Allele origin: germline.
Comment: In summary, the available evidence is currently insufficient to determine the role of this variant in disease. Therefore, it has been classified as a Variant of Uncertain Significance. Algorithms developed to predict the effect of missense changes on protein structure and function (SIFT, PolyPhen-2, Align-GVGD) all suggest that this variant is likely to be tolerated. This sequence change replaces serine, which is neutral and polar, with proline, which is neutral and non-polar, at codon 823 of the APC protein (p.Ser823Pro). This variant is not present in population databases (gnomAD no frequency). This variant has not been reported in the literature in individuals affected with APC-related conditions. ClinVar contains an entry for this variant (Variation ID: 959581).